The following is an entry in ClinVar:

NR_023343.3(RNU4ATAC):n.48G>C

Genes: CLASP1 (cytoplasmic linker associated protein 1; minus strand), CLASP1-AS1 (CLASP1 antisense RNA 1; plus strand), RNU4ATAC (RNA, U4atac small nuclear; plus strand). Cytogenetic location: 2q14.2.
Variant type: single nucleotide variant.
Molecular consequence: non-coding transcript variant (on NR_023343.3). On other transcripts: intron variant (8).
Genome position: GRCh38 VCF-style: chr2-121530927-G-C. GRCh37 (hg19) VCF-style: chr2-122288503-G-C.
Other names: NM_001395891.1:c.196-602C>G; c.196-602C>G (NM_001142274.2, NM_015282.3, NM_001378003.1 and 5 more transcripts).
Identifiers: ClinVar variation 4082367 (VCV004082367.1).

ClinVar aggregate classification (germline): Uncertain significance (1 of 4 stars; one submission).

Conditions:
RNU4ATAC spectrum disorder. Also called: RNU4atac-opathy. Identifiers: MedGen CN377746, MONDO:0100558.

gnomAD v4.1: 1 of 699,952 alleles (0.00014%); highest among the groups gnomAD compares: Non-Finnish European, 0.00026%; no homozygotes.

Submission:

Broad Center for Mendelian Genomics, Broad Institute of MIT and Harvard
Classification: Uncertain significance for RNU4ATAC spectrum disorder. Last evaluated: 2025-08-25. Review status: criteria provided, single submitter. Criteria: Ellingford et al. (Genome Med. 2022). Collection method: curation. Allele origin: germline. Inheritance: Autosomal recessive inheritance.
Comment: The phase of these variants is unknown at this time. The n.48G>C variant in RNU4ATAC has not been previously reported in the literature in individuals with RNU4ATAC spectrum disorder, but has been identified in 0.0003% (1/384452) of European (non-Finnish) chromosomes by the Genome Aggregation Database (gnomAD; dbSNP rs863225422). Although this variant has been seen in the general population in a heterozygous state, its frequency is low enough to be consistent with a recessive carrier frequency. The n.48G>C variant is located in the 5' Stem Loop region of RNU4ATAC where several other variants have been identified, suggesting that this variant is in a functional domain and supports pathogenicity (PMID: 26522830, 32628740). In summary, while there is some suspicion for a pathogenic role, the clinical significance of this variant is uncertain. ACMG/AMP Criteria applied: PM1, PM2_supporting (Richards 2015).